The following is an entry in ClinVar:

ClinVar aggregate classification (germline): Pathogenic (1 of 4 stars; one submission).

Conditions:
EPILEPSY, CHILDHOOD ABSENCE, SUSCEPTIBILITY TO, 2 (ECA2). Identifiers: Orphanet 64280, MedGen C1843244, OMIM 607681.
Febrile seizures, familial, 8 (FEB8). Also called: CONVULSIONS, FAMILIAL FEBRILE, 8. Identifiers: Orphanet 36387, MedGen C1969810, MONDO:0011891, OMIM 607681.

Submission:

Labcorp Genetics (formerly Invitae), Labcorp
Classification: Pathogenic for Febrile seizures, familial, 8; EPILEPSY, CHILDHOOD ABSENCE, SUSCEPTIBILITY TO, 2. Last evaluated: 2022-12-15. Review status: criteria provided, single submitter. Criteria: Invitae Variant Classification Sherloc (09022015). Collection method: clinical testing. Allele origin: germline.
Comment: For these reasons, this variant has been classified as Pathogenic. This variant disrupts a region of the GABRG2 protein in which other variant(s) (p.Trp429*) have been determined to be pathogenic (PMID: 18566737, 23720301). This suggests that this is a clinically significant region of the protein, and that variants that disrupt it are likely to be disease-causing. ClinVar contains an entry for this variant (Variation ID: 944808). This variant has not been reported in the literature in individuals affected with GABRG2-related conditions. This variant is not present in population databases (gnomAD no frequency). This sequence change creates a premature translational stop signal (p.Arg363Glyfs*29) in the GABRG2 gene. While this is not anticipated to result in nonsense mediated decay, it is expected to disrupt the last 105 amino acid(s) of the GABRG2 protein.

Literature cited by the submitters: PubMed 18566737; PubMed 23720301.

NM_198904.4(GABRG2):c.1087del (p.Arg363fs)

Gene: GABRG2 (gamma-aminobutyric acid type A receptor subunit gamma2; plus strand). Cytogenetic location: 5q34.
Variant type: Deletion.
Coding change: c.1087del on transcript NM_198904.4 (MANE Select); coding-DNA position 1087, one base deleted (C; older notation c.1087delC).
Protein change: p.Arg363fs; shifts the reading frame from arginine 363.
Molecular consequence: frameshift variant. On other transcripts: intron variant (1).
Genome position (GRCh38, 1-based): chr5:162,149,272, C deleted; the last of 2 consecutive C bases (chr5:162,149,271-162,149,272); deleting either gives the same sequence. VCF-style (leftmost placement, unchanged base first): chr5-162149270-AC-A. GRCh37 (hg19) VCF-style: chr5-161576276-AC-A.
Other names: c.1087del, p.Arg363fs (NM_000816.3); c.1078del, p.Arg360fs (NM_001375339.1); c.1084del, p.Arg362fs (NM_001375341.1, NM_001375342.1); c.1207del, p.Arg403fs (NM_001375343.1, NM_198903.2); c.1126del, p.Arg376fs (NM_001375344.1); c.1021del, p.Arg341fs (NM_001375345.1, NM_001375346.1); c.1000del, p.Arg334fs (NM_001375347.1); c.667del, p.Arg223fs (NM_001375348.1, NM_001375350.1); and 2 more; short protein forms R268fs, R360fs, R334fs, R376fs, R341fs, R363fs, R223fs, R362fs.
Identifiers: ClinVar variation 944808 (VCV000944808.10), dbSNP rs1765186475, ClinGen allele CA1139659245.